The following is an entry in ClinVar:

ClinVar aggregate classification (germline): Benign (1 of 4 stars; one submission).

Conditions:
Familial cancer of breast. Also called: hereditary breast carcinoma; Hereditary breast cancer; BREAST CANCER, FAMILIAL. Identifiers: Orphanet 227535, MedGen C0346153, MONDO:0016419, OMIM 114480. Disease mechanism: loss of function.

Submission:

Myriad Genetics, Inc.
Classification: Benign for Familial cancer of breast. Last evaluated: 2024-07-22. Review status: criteria provided, single submitter. Criteria: Myriad Autosomal Dominant, Autosomal Recessive and X-Linked Classification Criteria (2023). Collection method: clinical testing. Allele origin: unknown.
Comment: This variant is considered benign. This variant is a silent/synonymous amino acid change and it is not expected to impact splicing.

NM_000465.4(BARD1):c.768T>G (p.Gly256=)

Gene: BARD1 (BRCA1 associated RING domain 1; minus strand). Cytogenetic location: 2q35.
Variant type: single nucleotide variant.
Coding change: c.768T>G on transcript NM_000465.4 (MANE Select); coding-DNA position 768, T replaced by G.
Protein change: p.Gly256=; no amino-acid change (glycine 256 retained).
Molecular consequence: synonymous variant. On other transcripts: non-coding transcript variant (2), intron variant (3).
Genome position (GRCh38, 1-based): chr2:214,781,106, A>C on the plus strand (T>G on the coding strand, the complement: BARD1 is on the minus strand). VCF-style: chr2-214781106-A-C. GRCh37 (hg19) VCF-style: chr2-215645830-A-C.
Other names: c.711T>G, p.Gly237= (NM_001282543.2); c.158+28306T>G (NM_001282548.2); c.215+15955T>G (NM_001282545.2); c.364+11191T>G (NM_001282549.2).
Identifiers: ClinVar variation 3378490 (VCV003378490.1).